The following is an entry in ClinVar:

NM_001161352.2(KCNMA1):c.31_45del (p.Ser11_Gly15del)

Gene: KCNMA1 (potassium calcium-activated channel subfamily M alpha 1; minus strand). Cytogenetic location: 10q22.3.
Variant type: Deletion.
Coding change: c.31_45del on transcript NM_001161352.2 (MANE Select); coding-DNA positions 31 to 45, 15 bases deleted (AGCAGCGGCGGCGGC).
Protein change: p.Ser11_Gly15del.
Molecular consequence: inframe deletion.
Genome position (GRCh38, 1-based): chr10:77,637,598-77,637,612, GCCGCCGCCGCTGCT deleted on the plus strand (AGCAGCGGCGGCGGC on the coding strand, the reverse complement: KCNMA1 is on the minus strand); deleting any 15 consecutive bases within chr10:77,637,598-77,637,623 gives the same sequence; the c. name uses the placement nearest the transcript's 3' end. VCF-style (leftmost placement, unchanged base first): chr10-77637597-CGCCGCCGCCGCTGCT-C. GRCh37 (hg19) VCF-style: chr10-79397355-CGCCGCCGCCGCTGCT-C.
Other names: c.31_45del, p.Ser11_Gly15del (NM_001014797.3, NM_001161353.2, NM_001271518.2 and 12 more transcripts); c.31_45del15 (NM_001161352.1).
Identifiers: ClinVar variation 1675423 (VCV001675423.39), dbSNP rs752334052, ClinGen allele CA5568821.

ClinVar aggregate classification (germline): Uncertain significance. Review status: criteria provided, multiple submitters, no conflicts (2 of 4 stars). 3 submissions from 3 submitters: Uncertain significance (3). Last evaluated 2023-07-11.

Conditions:
Generalized epilepsy-paroxysmal dyskinesia syndrome (PNKD3). Also called: Paroxysmal nonkinesigenic dyskinesia, 3, with or without generalized epilepsy; Generalized epilepsy and paroxysmal dyskinesia. Identifiers: Orphanet 79137, MedGen C5574945, MONDO:0012276, OMIM 609446.

Submissions (3):

Women's Health and Genetics/Laboratory Corporation of America, LabCorp
Classification: Uncertain significance. Last evaluated: 2023-07-11. Review status: criteria provided, single submitter. Criteria: LabCorp Variant Classification Summary - May 2015. Collection method: clinical testing. Allele origin: germline.
Comment: Variant summary: KCNMA1 c.31_45del15 (p.Ser11_Gly15del) results in an in-frame deletion that is predicted to remove 5 amino acids from the encoded protein. Although the variant was absent in 125860 control chromosomes (gnomAD), other in-frame deletions/insertions have been frequently observed in this region in the gnomAD dataset. The available data on variant occurrences in the general population are insufficient to allow any conclusion about variant significance. To our knowledge, no occurrence of c.31_45del15 in individuals affected with Paroxysmal Nonkinesigenic Dyskinesia, 3, With Or Without Generalized Epilepsy and no experimental evidence demonstrating its impact on protein function have been reported. Two ClinVar submitters have assessed the variant since 2014, both classified the variant as uncertain significance. Based on the evidence outlined above, the variant was classified as uncertain significance.

Labcorp Genetics (formerly Invitae), Labcorp
Classification: Uncertain significance for Generalized epilepsy-paroxysmal dyskinesia syndrome. Last evaluated: 2022-07-04. Review status: criteria provided, single submitter. Criteria: Invitae Variant Classification Sherloc (09022015). Collection method: clinical testing. Allele origin: germline.
Comment: In summary, the available evidence is currently insufficient to determine the role of this variant in disease. Therefore, it has been classified as a Variant of Uncertain Significance. Experimental studies and prediction algorithms are not available or were not evaluated, and the functional significance of this variant is currently unknown. ClinVar contains an entry for this variant (Variation ID: 1675423). This variant has not been reported in the literature in individuals affected with KCNMA1-related conditions. The frequency data for this variant in the population databases is considered unreliable, as metrics indicate poor data quality at this position in the gnomAD database. This variant, c.31_45del, results in the deletion of 5 amino acid(s) of the KCNMA1 protein (p.Ser11_Gly15del), but otherwise preserves the integrity of the reading frame.

CeGaT Center for Human Genetics Tuebingen
Classification: Uncertain significance. Last evaluated: 2022-02-01. Review status: criteria provided, single submitter. Criteria: CeGaT Center For Human Genetics Tuebingen Variant Classification Criteria Version 2. Collection method: clinical testing. Allele origin: germline. Affected: yes. Observed: 1 variant allele.